The following is an entry in ClinVar:

NM_000238.4(KCNH2):c.151C>G (p.Leu51Val)

Gene: KCNH2 (potassium voltage-gated channel subfamily H member 2; minus strand). Cytogenetic location: 7q36.1.
Variant type: single nucleotide variant.
Coding change: c.151C>G on transcript NM_000238.4 (MANE Select); coding-DNA position 151, C replaced by G.
Protein change: p.Leu51Val; replaces leucine 51 with valine.
Molecular consequence: missense variant. On other transcripts: 5 prime UTR variant (1), non-coding transcript variant (1).
Genome position (GRCh38, 1-based): chr7:150,974,867, G>C on the plus strand (C>G on the coding strand, the complement: KCNH2 is on the minus strand). VCF-style: chr7-150974867-G-C. GRCh37 (hg19) VCF-style: chr7-150671955-G-C.
Other names: c.-27C>G (NM_001406755.1); c.151C>G, p.Leu51Val (NM_172056.3); short protein forms L51V.
Identifiers: ClinVar variation 4734060 (VCV004734060.1).

ClinVar aggregate classification (germline): Uncertain significance (1 of 4 stars; one submission).

Conditions:
Long QT syndrome (LQTS). Identifiers: MedGen C0023976, MeSH D008133, MONDO:0002442. Disease mechanism: loss of function. Inheritance: Various modes of inheritance.

Submission:

Labcorp Genetics (formerly Invitae), Labcorp
Classification: Uncertain significance for Long QT syndrome. Last evaluated: 2025-12-24. Review status: criteria provided, single submitter. Criteria: Invitae Variant Classification Sherloc (09022015). Collection method: clinical testing. Allele origin: germline.
Comment: This sequence change replaces leucine, which is neutral and non-polar, with valine, which is neutral and non-polar, at codon 51 of the KCNH2 protein (p.Leu51Val). This variant is not present in population databases (gnomAD no frequency). This variant has not been reported in the literature in individuals affected with KCNH2-related conditions. An algorithm developed to predict the effect of missense changes on protein structure and function (PolyPhen-2) suggests that this variant is likely to be tolerated. In summary, the available evidence is currently insufficient to determine the role of this variant in disease. Therefore, it has been classified as a Variant of Uncertain Significance.